The following is an entry in ClinVar:

NM_004415.4(DSP):c.2980dup (p.Gln994fs)

Gene: DSP (desmoplakin; plus strand). Cytogenetic location: 6p24.3.
Variant type: Duplication.
Coding change: c.2980dup on transcript NM_004415.4 (MANE Select); coding-DNA position 2980, one base duplicated (C; older notation c.2980dupC).
Protein change: p.Gln994fs; shifts the reading frame from glutamine 994.
Molecular consequence: frameshift variant.
Genome position (GRCh38, 1-based): chr6:7,577,881, C duplicated. VCF-style (leftmost placement, unchanged base first): chr6-7577880-G-GC. GRCh37 (hg19) VCF-style: chr6-7578113-G-GC.
Other names: c.2980dup, p.Gln994fs (NM_001008844.3, NM_001319034.2); short protein forms Q994fs.
Identifiers: ClinVar variation 691714 (VCV000691714.8), dbSNP rs1581813564, ClinGen allele CA915944149.

ClinVar aggregate classification (germline): Pathogenic/Likely pathogenic. Review status: criteria provided, multiple submitters, no conflicts (2 of 4 stars). 3 submissions from 3 submitters: Pathogenic (2); Likely pathogenic (1). Last evaluated 2022-06-08.

Conditions:
Cardiovascular phenotype. Identifiers: MedGen CN230736.
Arrhythmogenic right ventricular dysplasia 8 (ARVD8). Also called: Arrhythmogenic Right Ventricular Dysplasia/Cardiomyopathy 8; ARRHYTHMOGENIC RIGHT VENTRICULAR DYSPLASIA, FAMILIAL, 8; ARRHYTHMOGENIC RIGHT VENTRICULAR CARDIOMYOPATHY 8. Identifiers: MedGen C1843896, MONDO:0011831, OMIM 607450.
Arrhythmogenic cardiomyopathy with wooly hair and keratoderma. Also called: Carvajal syndrome; PALMOPLANTAR KERATODERMA WITH LEFT VENTRICULAR CARDIOMYOPATHY AND WOOLLY HAIR; Arrhythmogenic cardiomyopathy with woolly hair and keratoderma; Dilated cardiomyopathy with woolly hair and keratoderma. Identifiers: Orphanet 65282, MedGen C1854063, MONDO:0011581, OMIM 605676.
Cardiomyopathy (CMYO). Also called: Cardiomyopathies. Identifiers: Orphanet 167848, MedGen C0878544, MONDO:0004994, HP:0001638. Inheritance: Various modes of inheritance.

Submissions (3):

Labcorp Genetics (formerly Invitae), Labcorp
Classification: Pathogenic for Arrhythmogenic cardiomyopathy with wooly hair and keratoderma; Arrhythmogenic right ventricular dysplasia 8. Last evaluated: 2022-06-08. Review status: criteria provided, single submitter. Criteria: Invitae Variant Classification Sherloc (09022015). Collection method: clinical testing. Allele origin: germline.
Comment: For these reasons, this variant has been classified as Pathogenic. ClinVar contains an entry for this variant (Variation ID: 691714). This variant has not been reported in the literature in individuals affected with DSP-related conditions. This variant is not present in population databases (gnomAD no frequency). This sequence change creates a premature translational stop signal (p.Gln994Profs*12) in the DSP gene. It is expected to result in an absent or disrupted protein product. Loss-of-function variants in DSP are known to be pathogenic (PMID: 20716751, 24503780, 25227139).

Ambry Genetics
Classification: Pathogenic for Cardiovascular phenotype. Last evaluated: 2021-02-10. Review status: criteria provided, single submitter. Criteria: Ambry Variant Classification Scheme 2023. Collection method: clinical testing. Allele origin: germline.
Comment: The c.2980dupC pathogenic mutation, located in coding exon 21 of the DSP gene, results from a duplication of C at nucleotide position 2980, causing a translational frameshift with a predicted alternate stop codon (p.Q994Pfs*12). Alterations in DSP that result in haploinsufficiency or protein truncation have been reported in patients with arrhythmogenic right ventricular cardiomyopathy (ARVC) and dilated cardiomyopathy (DCM) (Fressart V et al. Europace. 2010;12(6):861-8; Elliott P et al. Circ Cardiovasc Genet. 2010;3(4):314-22; Quarta G et al. Circulation. 2011;123(23):2701-9; Garcia-Pavia P et al. Heart. 2011;97(21):1744-52; Rasmussen TB et al. Clin Genet. 2013;84(1):20-30; Pugh TJ et al. Genet Med. 2014;16(8):601-8). This alteration is expected to result in loss of function by premature protein truncation or nonsense-mediated mRNA decay. As such, this alteration is interpreted as a disease-causing mutation.

Center for Advanced Laboratory Medicine, UC San Diego Health, University of California San Diego
Classification: Likely pathogenic for Cardiomyopathy. Last evaluated: 2017-03-14. Review status: criteria provided, single submitter. Criteria: ACMG Guidelines, 2015. Collection method: clinical testing. Allele origin: germline. Affected: yes. Observed: 1 variant allele.

Literature cited by the submitters: PubMed 20716751 (cited by Labcorp Genetics (formerly Invitae), Labcorp); PubMed 24503780 (cited by Labcorp Genetics (formerly Invitae), Labcorp); PubMed 25227139 (cited by Labcorp Genetics (formerly Invitae), Labcorp).